The following is an entry in ClinVar:

NM_005918.4(MDH2):c.661G>C (p.Asp221His)

Gene: MDH2 (malate dehydrogenase 2; plus strand). Cytogenetic location: 7q11.23.
Variant type: single nucleotide variant.
Coding change: c.661G>C on transcript NM_005918.4 (MANE Select); coding-DNA position 661, G replaced by C.
Protein change: p.Asp221His; replaces aspartic acid 221 with histidine.
Molecular consequence: missense variant.
Genome position (GRCh38, 1-based): chr7:76,064,366, G>C. VCF-style: chr7-76064366-G-C. GRCh37 (hg19) VCF-style: chr7-75693684-G-C.
Other names: c.535G>C, p.Asp179His (NM_001282403.2); c.340G>C, p.Asp114His (NM_001282404.2); short protein forms D114H, D221H, D179H.
Identifiers: ClinVar variation 1754519 (VCV001754519.3), dbSNP rs782697947, ClinGen allele CA4305647.

ClinVar aggregate classification (germline): Uncertain significance (1 of 4 stars; one submission).

Conditions:
Inborn genetic diseases. Identifiers: MedGen C0950123, MeSH D030342.

Allele frequency attached by ClinVar (database versions not stated): gnomAD exomes 0.00001; ExAC 0.00002.
gnomAD v4.1: 13 of 1,613,488 alleles (0.00081%); highest among the groups gnomAD compares: South Asian, 0.014%; no homozygotes.

Submission:

Ambry Genetics
Classification: Uncertain significance for Inborn genetic diseases. Last evaluated: 2024-06-16. Review status: criteria provided, single submitter. Criteria: Ambry Variant Classification Scheme 2023. Collection method: clinical testing. Allele origin: germline.
Comment: The p.D221H variant (also known as c.661G>C), located in coding exon 7 of the MDH2 gene, results from a G to C substitution at nucleotide position 661. The aspartic acid at codon 221 is replaced by histidine, an amino acid with similar properties. This amino acid position is conserved. In addition, the in silico prediction for this alteration is inconclusive. Since supporting evidence is limited at this time, the clinical significance of this alteration remains unclear.